The following is an entry in ClinVar:

NM_005562.3(LAMC2):c.1458del (p.Val488fs)

Gene: LAMC2 (laminin subunit gamma 2; plus strand). Cytogenetic location: 1q25.3.
Variant type: Deletion.
Coding change: c.1458del on transcript NM_005562.3 (MANE Select); coding-DNA position 1458, one base deleted (C; older notation c.1458delC).
Protein change: p.Val488fs; shifts the reading frame from valine 488.
Molecular consequence: frameshift variant.
Genome position (GRCh38, 1-based): chr1:183,227,687, C deleted; the last of 3 consecutive C bases (chr1:183,227,685-183,227,687); deleting any one gives the same sequence. VCF-style (leftmost placement, unchanged base first): chr1-183227684-TC-T. GRCh37 (hg19) VCF-style: chr1-183196819-TC-T.
Other names: c.1458del, p.Val488fs (NM_018891.3); short protein forms V488fs.
Identifiers: ClinVar variation 5013696 (VCV005013696.1).

ClinVar aggregate classification (germline): Pathogenic (1 of 4 stars; one submission).

Conditions:
Junctional epidermolysis bullosa. Identifiers: Orphanet 305, MedGen C0079301, MONDO:0017612.

Submission:

Myriad Genetics, Inc.
Classification: Pathogenic for Junctional epidermolysis bullosa. Last evaluated: 2024-11-01. Review status: criteria provided, single submitter. Criteria: Myriad Autosomal Dominant, Autosomal Recessive and X-Linked Classification Criteria (2023). Collection method: clinical testing. Allele origin: unknown.
Comment: NM_005562.2(LAMC2):c.1458delC(V488Sfs*24) is expected to be pathogenic in the context of junctional epidermolysis bullosa, LAMC2-related. This variant is predicted to lead to an abnormal or absent protein product due to the creation of a premature termination codon in LAMC2, a gene where loss-of-function variants are known to be pathogenic. Please note: this variant was assessed in the context of healthy population screening.